The following is an entry in ClinVar:

NM_182961.4(SYNE1):c.13183G>A (p.Glu4395Lys)

Gene: SYNE1 (spectrin repeat containing nuclear envelope protein 1; minus strand). Cytogenetic location: 6q25.2.
Variant type: single nucleotide variant.
Coding change: c.13183G>A on transcript NM_182961.4 (MANE Select); coding-DNA position 13183, G replaced by A.
Protein change: p.Glu4395Lys; replaces glutamic acid 4395 with lysine.
Molecular consequence: missense variant.
Genome position (GRCh38, 1-based): chr6:152,331,502, C>T on the plus strand (G>A on the coding strand, the complement: SYNE1 is on the minus strand). VCF-style: chr6-152331502-C-T. GRCh37 (hg19) VCF-style: chr6-152652637-C-T.
Other names: c.12970G>A, p.Glu4324Lys (NM_033071.5); short protein forms E4324K, E4395K.
Identifiers: ClinVar variation 1706987 (VCV001706987.2), dbSNP rs757992256, ClinGen allele CA4056228.

ClinVar aggregate classification (germline): Uncertain significance (1 of 4 stars; one submission).

Allele frequency attached by ClinVar (database versions not stated): ExAC 0.00001.

Submission:

GeneDx
Classification: Uncertain significance. Last evaluated: 2022-03-24. Review status: criteria provided, single submitter. Criteria: GeneDx Variant Classification Process June 2021. Collection method: clinical testing. Allele origin: germline. Affected: yes.
Comment: Not observed at significant frequency in large population cohorts (gnomAD); In silico analysis supports that this missense variant does not alter protein structure/function; Has not been previously published as pathogenic or benign to our knowledge